The following is an entry in ClinVar:

NM_002788.4(PSMA3):c.280G>C (p.Glu94Gln)

Gene: PSMA3 (proteasome 20S subunit alpha 3; plus strand). Cytogenetic location: 14q23.1.
Variant type: single nucleotide variant.
Coding change: c.280G>C on transcript NM_002788.4 (MANE Select); coding-DNA position 280, G replaced by C.
Protein change: p.Glu94Gln; replaces glutamic acid 94 with glutamine.
Molecular consequence: missense variant. On other transcripts: non-coding transcript variant (1).
Genome position (GRCh38, 1-based): chr14:58,257,796, G>C. VCF-style: chr14-58257796-G-C. GRCh37 (hg19) VCF-style: chr14-58724514-G-C.
Other names: c.280G>C, p.Glu94Gln (NM_152132.3); c.280G>C (NM_002788.3); short protein forms E94Q.
Identifiers: ClinVar variation 2884983 (VCV002884983.4), dbSNP rs1217248630, ClinGen allele CA389848304.

ClinVar aggregate classification (germline): Uncertain significance. Review status: criteria provided, multiple submitters, no conflicts (2 of 4 stars). 2 submissions from 2 submitters: Uncertain significance (2). Last evaluated 2025-08-09.

Allele frequency attached by ClinVar (database versions not stated): gnomAD 0.00001; gnomAD exomes below 0.00001; TOPMed 0.00001.
gnomAD v4.1: 4 of 1,613,546 alleles (0.00025%); highest among the groups gnomAD compares: Non-Finnish European, 0.00034%; no homozygotes.

Submissions (2):

Labcorp Genetics (formerly Invitae), Labcorp
Classification: Uncertain significance. Last evaluated: 2025-08-09. Review status: criteria provided, single submitter. Criteria: Invitae Variant Classification Sherloc (09022015). Collection method: clinical testing. Allele origin: germline.
Comment: This sequence change replaces glutamic acid, which is acidic and polar, with glutamine, which is neutral and polar, at codon 94 of the PSMA3 protein (p.Glu94Gln). This variant is present in population databases (no rsID available, gnomAD 0.007%). This variant has not been reported in the literature in individuals affected with PSMA3-related conditions. ClinVar contains an entry for this variant (Variation ID: 2884983). An algorithm developed to predict the effect of missense changes on protein structure and function (PolyPhen-2) suggests that this variant is likely to be tolerated. In summary, the available evidence is currently insufficient to determine the role of this variant in disease. Therefore, it has been classified as a Variant of Uncertain Significance.

Ambry Genetics
Classification: Uncertain significance. Last evaluated: 2025-07-08. Review status: criteria provided, single submitter. Criteria: Ambry Variant Classification Scheme 2023. Collection method: clinical testing. Allele origin: germline.